The following is an entry in ClinVar:

NM_001146227.3(RPS20):c.384C>T (p.Tyr128=)

Gene: RPS20 (ribosomal protein S20; minus strand). Cytogenetic location: 8q12.1.
Variant type: single nucleotide variant.
Coding change: c.384C>T on transcript NM_001146227.3; coding-DNA position 384, C replaced by T.
Protein change: p.Tyr128=; no amino-acid change (tyrosine 128 retained).
Molecular consequence: synonymous variant.
Genome position (GRCh38, 1-based): chr8:56,069,783, G>A on the plus strand (C>T on the coding strand, the complement: RPS20 is on the minus strand). VCF-style: chr8-56069783-G-A. GRCh37 (hg19) VCF-style: chr8-56982342-G-A.
Identifiers: ClinVar variation 5042356 (VCV005042356.1).

ClinVar aggregate classification (germline): Benign (1 of 4 stars; one submission).

Conditions:
Familial colorectal cancer type X. Identifiers: Orphanet 440437, MedGen C3896578, MONDO:0018604.

gnomAD v4.1: 1 of 1,551,130 alleles (0.000064%); highest among the groups gnomAD compares: Non-Finnish European, 0.000087%; no homozygotes.

Submission:

Myriad Genetics, Inc.
Classification: Benign for Familial colorectal cancer type X. Last evaluated: 2026-08-04. Review status: criteria provided, single submitter. Criteria: Myriad Autosomal Dominant, Autosomal Recessive and X-Linked Classification Criteria (2023). Collection method: clinical testing. Allele origin: unknown.
Comment: This variant is considered benign. This variant is a silent/synonymous amino acid change and it is not expected to impact splicing.